The following is an entry in ClinVar:

ClinVar aggregate classification (germline): Uncertain significance (1 of 4 stars; one submission).

Conditions:
Pyruvate dehydrogenase E1-beta deficiency (PDHBD). Identifiers: Orphanet 255138, Orphanet 765, MedGen C3279841, MONDO:0013580, OMIM 614111.

Submission:

Labcorp Genetics (formerly Invitae), Labcorp
Classification: Uncertain significance for Pyruvate dehydrogenase E1-beta deficiency. Last evaluated: 2022-05-15. Review status: criteria provided, single submitter. Criteria: Invitae Variant Classification Sherloc (09022015). Collection method: clinical testing. Allele origin: germline.
Comment: In summary, the available evidence is currently insufficient to determine the role of this variant in disease. Therefore, it has been classified as a Variant of Uncertain Significance. Variants that disrupt the consensus splice site are a relatively common cause of aberrant splicing (PMID: 17576681, 9536098). Algorithms developed to predict the effect of sequence changes on RNA splicing suggest that this variant may create or strengthen a splice site. This variant has not been reported in the literature in individuals affected with PDHB-related conditions. This variant is not present in population databases (gnomAD no frequency). This sequence change falls in intron 8 of the PDHB gene. It does not directly change the encoded amino acid sequence of the PDHB protein. It affects a nucleotide within the consensus splice site.

Literature cited by the submitters: PubMed 17576681; PubMed 9536098.

NM_000925.4(PDHB):c.792+3del

Gene: PDHB (pyruvate dehydrogenase E1 subunit beta; minus strand). Cytogenetic location: 3p14.3.
Variant type: Deletion.
Coding change: c.792+3del on transcript NM_000925.4 (MANE Select); 3 bases into the intron after coding-DNA position 792, one base deleted (G; older notation c.792+3delG).
Molecular consequence: intron variant.
Genome position (GRCh38, 1-based): chr3:58,429,705, C deleted on the plus strand (G on the coding strand, the reverse complement: PDHB is on the minus strand). VCF-style (leftmost placement, unchanged base first): chr3-58429704-TC-T. GRCh37 (hg19) VCF-style: chr3-58415431-TC-T.
Other names: c.738+3del (NM_001315536.2, NM_001173468.2).
Identifiers: ClinVar variation 1994890 (VCV001994890.4), dbSNP rs2471365602, ClinGen allele CA2580070398.
Genomic context (GRCh38, chr3:58,429,704, plus strand): 5'-TTCTGGGTCTTAAATCTAAAAGGAGCCCTTCTAATTCTTTAAGAACAAGTAAATGTCCAC[TC>T]ACCTCACATTCAACTCCTTCTTTAGATAGCACTGCTGCAGCTTCTAAGCAGTGGCCCACA-3'